The following is an entry in ClinVar:

NM_000074.3(CD40LG):c.107T>A (p.Met36Lys)

Gene: CD40LG (CD40 ligand; plus strand). Cytogenetic location: Xq26.3.
Variant type: single nucleotide variant.
Coding change: c.107T>A on transcript NM_000074.3 (MANE Select); coding-DNA position 107, T replaced by A.
Protein change: p.Met36Lys; replaces methionine 36 with lysine.
Molecular consequence: missense variant.
Genome position (GRCh38, 1-based): chrX:136,648,355, T>A. VCF-style: chrX-136648355-T-A. GRCh37 (hg19) VCF-style: chrX-135730514-T-A.
Other names: short protein forms M36K.
Identifiers: ClinVar variation 422070 (VCV000422070.12), dbSNP rs104894774, ClinGen allele CA16621207.

ClinVar aggregate classification (germline): Conflicting classifications of pathogenicity. Review status: criteria provided, conflicting classifications (1 of 4 stars). 3 submissions from 3 submitters: Likely pathogenic (1); Uncertain significance (1). 1 of the submissions does not count toward it. Last evaluated 2024-10-16.

Conditions:
Hyper-IgM syndrome type 1. Also called: Hyper-IgM Immunodeficiency Syndrome, Type 1; CD40 Ligand Deficiency; X-linked hyper-IgM syndrome; Immunodeficiency, X-linked, with hyper-IgM. Identifiers: Orphanet 101088, MedGen C0398689, MONDO:0010626, OMIM 308230.

Submissions (3):

Labcorp Genetics (formerly Invitae), Labcorp
Classification: Uncertain significance for Hyper-IgM syndrome type 1. Last evaluated: 2024-10-16. Review status: criteria provided, single submitter. Criteria: Invitae Variant Classification Sherloc (09022015). Collection method: clinical testing. Allele origin: germline.
Comment: This sequence change replaces methionine, which is neutral and non-polar, with lysine, which is basic and polar, at codon 36 of the CD40LG protein (p.Met36Lys). This variant is not present in population databases (gnomAD no frequency). This missense change has been observed in individual(s) with atypical X-linked hyper-IgM syndrome (PMID: 35572607). ClinVar contains an entry for this variant (Variation ID: 422070). Invitae Evidence Modeling of protein sequence and biophysical properties (such as structural, functional, and spatial information, amino acid conservation, physicochemical variation, residue mobility, and thermodynamic stability) indicates that this missense variant is not expected to disrupt CD40LG protein function with a negative predictive value of 80%. This variant disrupts the p.Met36 amino acid residue in CD40LG. Other variant(s) that disrupt this residue have been determined to be pathogenic (PMID: 7679206, 15358621). This suggests that this residue is clinically significant, and that variants that disrupt this residue are likely to be disease-causing. In summary, the available evidence is currently insufficient to determine the role of this variant in disease. Therefore, it has been classified as a Variant of Uncertain Significance.

GeneDx
Classification: Likely pathogenic. Last evaluated: 2016-08-22. Review status: criteria provided, single submitter. Criteria: GeneDx Variant Classification (06012015). Collection method: clinical testing. Allele origin: germline. Affected: yes.
Comment: The M36K variant in the CD40LG gene has not been reported previously as a pathogenic variant, nor as a benign variant, to our knowledge. This variant was not observed in approximately 6500 individuals of European and African American ancestry in the NHLBI Exome Sequencing Project, indicating it is not a common benign variant in these populations. Although this substitution occurs at a position where amino acids with similar properties to Methionine are tolerated across species, the M36K variant is a non-conservative amino acid substitution, which is likely to impact secondary protein structure as these residues differ in polarity, charge, size and/or other properties. In silico analysis is inconsistent in its predictions as to whether or not the variant is damaging to the protein structure/function. A missense variant in the same residue (M36R) has been reported in association with hyper-IgM syndrome (Korthauer et al., 1993), supporting the functional importance of this region of the protein. The M36K variant is a strong candidate for a pathogenic variant, however the possibility it my be a rare benign variant cannot be excluded.

OMIM
Classification: Pathogenic for IMMUNODEFICIENCY WITH HYPER-IgM, TYPE 1. Last evaluated: 2022-07-13. Review status: no assertion criteria provided. Collection method: literature only. Allele origin: germline. Not counted in ClinVar's aggregate classification.

Literature cited by the submitters: PubMed 35572607 (cited by Labcorp Genetics (formerly Invitae), Labcorp and OMIM); PubMed 7679206 (cited by Labcorp Genetics (formerly Invitae), Labcorp); PubMed 15358621 (cited by Labcorp Genetics (formerly Invitae), Labcorp).